The following is an entry in ClinVar:

ClinVar aggregate classification (germline): Pathogenic (1 of 4 stars; one submission).

Conditions:
Ehlers-Danlos syndrome, dermatosparaxis type. Also called: EDS VIIC; Dermatosparaxis; Ehlers-Danlos syndrome, type VII, autosomal recessive. Identifiers: Orphanet 1901, MedGen C2700425, MONDO:0009161, OMIM 225410.

Submission:

Myriad Genetics, Inc.
Classification: Pathogenic for Ehlers-Danlos syndrome, dermatosparaxis type. Last evaluated: 2024-05-14. Review status: criteria provided, single submitter. Criteria: Myriad Autosomal Dominant, Autosomal Recessive and X-Linked Classification Criteria (2023). Collection method: clinical testing. Allele origin: unknown.
Comment: NM_014244.4(ADAMTS2):c.83_84ins8(P29Rfs*139) is expected to be pathogenic in the context of Ehlers-Danlos syndrome, ADAMTS2-related. This variant is predicted to lead to an abnormal or absent protein product due to the creation of a premature termination codon in ADAMTS2, a gene where loss-of-function variants are known to be pathogenic. Please note: this variant was assessed in the context of healthy population screening.

NM_014244.5(ADAMTS2):c.83_84insAAGAGACA (p.Pro29fs)

Gene: ADAMTS2 (ADAM metallopeptidase with thrombospondin type 1 motif 2; minus strand). Cytogenetic location: 5q35.3.
Variant type: Insertion.
Coding change: c.83_84insAAGAGACA on transcript NM_014244.5 (MANE Select); coding-DNA positions 83 to 84, AAGAGACA inserted.
Protein change: p.Pro29fs; shifts the reading frame from proline 29.
Molecular consequence: frameshift variant.
Genome position: GRCh38 VCF-style: chr5-179345245-C-CTGTCTCTT. GRCh37 (hg19) VCF-style: chr5-178772246-C-CTGTCTCTT.
Other names: c.83_84insAAGAGACA, p.Pro29fs (NM_021599.4); short protein forms P29fs.
Identifiers: ClinVar variation 5010436 (VCV005010436.1).